The following is an entry in ClinVar:

NM_130839.5(UBE3A):c.2307_2311dup (p.Thr771fs)

Genes: SNHG14 (small nucleolar RNA host gene 14; plus strand), UBE3A (ubiquitin protein ligase E3A; minus strand). Cytogenetic location: 15q11.2.
Variant type: Duplication.
Coding change: c.2307_2311dup on transcript NM_130839.5 (MANE Select); coding-DNA positions 2307 to 2311, 5 bases duplicated (AACTA; older notation c.2307_2311dupAACTA).
Protein change: p.Thr771fs; shifts the reading frame from threonine 771.
Molecular consequence: frameshift variant. On other transcripts: non-coding transcript variant (1).
Genome position (GRCh38, 1-based): chr15:25,354,396-25,354,400, TAGTT duplicated on the plus strand (AACTA on the coding strand, the reverse complement: UBE3A is on the minus strand); duplicating any 5 consecutive bases within chr15:25,354,396-25,354,401 gives the same sequence; the c. name uses the placement nearest the transcript's 3' end. VCF-style (leftmost placement, unchanged base first): chr15-25354395-G-GTAGTT. GRCh37 (hg19) VCF-style: chr15-25599542-G-GTAGTT.
Other names: c.2316_2320dup, p.Thr774fs (NM_000462.5); c.2307_2311dup, p.Thr771fs (NM_001354505.1, NM_001354538.2); c.2247_2251dup, p.Thr751fs (NM_001354506.2, NM_001354507.2, NM_001354508.2 and 14 more transcripts); c.2151_2155dup, p.Thr719fs (NM_001354545.2); c.2130_2134dup, p.Thr712fs (NM_001354546.2); c.2091_2095dup, p.Thr699fs (NM_001354547.2, NM_001354548.2); c.2082_2086dup, p.Thr696fs (NM_001354549.2); c.1056_1060dup, p.Thr354fs (NM_001354550.2); and 1 more; short protein forms T719fs, T771fs, T334fs, T354fs, T696fs, T699fs, T712fs, T751fs.
Identifiers: ClinVar variation 155973 (VCV000155973.1), dbSNP rs587781222, ClinGen allele CA333350.

ClinVar aggregate classification (germline): Pathogenic (0 of 4 stars; one submission).

Conditions:
Angelman syndrome (AS). Also called: HAPPY PUPPET SYNDROME. Identifiers: Orphanet 72, MedGen C0162635, MONDO:0007113, OMIM 105830. Disease mechanism: loss of function. Inheritance: AS is caused by disruption of maternally imprinted UBE3A located within the 15q11.2-q13 Angelman syndrome/Prader-Willi syndrome (AS/PWS) region., imprinting disorder.

Submission:

Baylor Genetics
Classification: Pathogenic for Angelman Syndrome. Last evaluated: 2014-02-14. Review status: no assertion criteria provided. Collection method: clinical testing. Allele origin: germline. Affected: yes. Observed: 1 variant allele. Study: UBE3A Mutation Study.
Comment: Data collected from clinical UBE3A sequence analysis results

Literature cited by the submitters: PubMed 25212744.